The following is an entry in ClinVar:

NM_170707.4(LMNA):c.253C>T (p.Leu85Phe)

Gene: LMNA (lamin A/C; plus strand). Cytogenetic location: 1q22.
Variant type: single nucleotide variant.
Coding change: c.253C>T on transcript NM_170707.4 (MANE Select); coding-DNA position 253, C replaced by T.
Protein change: p.Leu85Phe; replaces leucine 85 with phenylalanine.
Molecular consequence: missense variant. On other transcripts: 5 prime UTR variant (8), intron variant (2).
Genome position (GRCh38, 1-based): chr1:156,115,171, C>T. VCF-style: chr1-156115171-C-T. GRCh37 (hg19) VCF-style: chr1-156084962-C-T.
Other names: c.253C>T, p.Leu85Phe (NM_001282625.2, NM_001282626.2, NM_001406983.1 and 6 more transcripts); c.-171C>T (NM_001406986.1); c.-149C>T (NM_001406990.1, NM_001406995.1, NM_001407002.1); c.-412C>T (NM_001406994.1, NM_001407000.1); c.-592C>T (NM_001406999.1); c.-255C>T (NM_001407001.1); c.-203+8348C>T (NM_001406993.1, NM_001407003.1); short protein forms L85F.
Identifiers: ClinVar variation 4799953 (VCV004799953.1).
Genomic context (GRCh38, chr1:156,115,171, plus strand): 5'-GAGTCTGAAGAGGTGGTCAGCCGCGAGGTGTCCGGCATCAAGGCCGCCTACGAGGCCGAG[C>T]TCGGGGATGCCCGCAAGACCCTTGACTCAGTAGCCAAGGAGCGCGCCCGCCTGCAGCTGG-3'
Protein context (NP_733821.1, residues 75-95): SGIKAAYEAE[Leu85Phe]GDARKTLDSV

ClinVar aggregate classification (germline): Likely pathogenic (1 of 4 stars; one submission).

Conditions:
Charcot-Marie-Tooth disease type 2. Also called: Charcot-Marie-Tooth type 2. Identifiers: Orphanet 64746, MedGen C0270914, MONDO:0018993.

Submission:

Labcorp Genetics (formerly Invitae), Labcorp
Classification: Likely pathogenic for Charcot-Marie-Tooth disease type 2. Last evaluated: 2025-04-18. Review status: criteria provided, single submitter. Criteria: Invitae Variant Classification Sherloc (09022015). Collection method: clinical testing. Allele origin: germline.
Comment: This sequence change replaces leucine, which is neutral and non-polar, with phenylalanine, which is neutral and non-polar, at codon 85 of the LMNA protein (p.Leu85Phe). This variant is not present in population databases (gnomAD no frequency). This variant has not been reported in the literature in individuals affected with LMNA-related conditions. Invitae Evidence Modeling of protein sequence and biophysical properties (such as structural, functional, and spatial information, amino acid conservation, physicochemical variation, residue mobility, and thermodynamic stability) indicates that this missense variant is expected to disrupt LMNA protein function with a positive predictive value of 95%. This variant disrupts the p.Leu85 amino acid residue in LMNA. Other variant(s) that disrupt this residue have been determined to be pathogenic (PMID: 10580070, 11792809, 11792810, 17107595). This suggests that this residue is clinically significant, and that variants that disrupt this residue are likely to be disease-causing. In summary, the currently available evidence indicates that the variant is pathogenic, but additional data are needed to prove that conclusively. Therefore, this variant has been classified as Likely Pathogenic.

Literature cited by the submitters: PubMed 10580070; PubMed 11792809; PubMed 11792810; PubMed 17107595.